The following is an entry in ClinVar:

ClinVar aggregate classification (germline): Pathogenic (1 of 4 stars; one submission).

Conditions:
Peroxisome biogenesis disorder. Identifiers: Orphanet 79189, MedGen C1832200, MONDO:0019234. Disease mechanism: loss of function.

Submission:

Myriad Genetics, Inc.
Classification: Pathogenic for Peroxisome biogenesis disorder. Last evaluated: 2026-07-28. Review status: criteria provided, single submitter. Criteria: Myriad Autosomal Dominant, Autosomal Recessive and X-Linked Classification Criteria (2023). Collection method: clinical testing. Allele origin: unknown.
Comment: NM_000466.2(PEX1):c.3358G>T(E1120*) is expected to be pathogenic in the context of peroxisome biogenesis disorder type 1. This variant is predicted to lead to an abnormal or absent protein product due to the creation of a premature termination codon in PEX1, a gene where loss-of-function variants are known to be pathogenic. Please note: this variant was assessed in the context of healthy population screening.

NM_000466.3(PEX1):c.3358G>T (p.Glu1120Ter)

Genes: GATAD1 (GATA zinc finger domain containing 1; plus strand), PEX1 (peroxisomal biogenesis factor 1; minus strand). Cytogenetic location: 7q21.2.
Variant type: single nucleotide variant.
Coding change: c.3358G>T on transcript NM_000466.3 (MANE Select); coding-DNA position 3358, G replaced by T.
Protein change: p.Glu1120Ter; replaces glutamic acid 1120 with a stop codon.
Molecular consequence: nonsense.
Genome position (GRCh38, 1-based): chr7:92,491,352, C>A on the plus strand (G>T on the coding strand, the complement: PEX1 is on the minus strand). VCF-style: chr7-92491352-C-A. GRCh37 (hg19) VCF-style: chr7-92120666-C-A.
Other names: c.3187G>T, p.Glu1063Ter (NM_001282677.2); c.2734G>T, p.Glu912Ter (NM_001282678.2); short protein forms E1063*, E1120*, E912*.
Identifiers: ClinVar variation 5016169 (VCV005016169.1).
Genomic context (GRCh38, chr7:92,491,352, plus strand): 5'-TTCCAAGTTCTGATTCATAAGAGCTTCCAAAGTAGAGCCGGTACATATTGAATTTTGATT[C>A]ATCTGGAAGGATCTCGGACATCTCTAAAGAAACAAGGGACTGATCTAAGCCACATTCTCC-3'